The following is an entry in ClinVar:

ClinVar aggregate classification (germline): Pathogenic (1 of 4 stars; one submission).

Conditions:
Beckwith-Wiedemann syndrome (BWS). Also called: EMG SYNDROME; Exomphalos macroglossia gigantism syndrome. Identifiers: Orphanet 116, MedGen C0004903, MONDO:0007534, OMIM 130650.

Submission:

Labcorp Genetics (formerly Invitae), Labcorp
Classification: Pathogenic for Beckwith-Wiedemann syndrome. Last evaluated: 2019-12-03. Review status: criteria provided, single submitter. Criteria: Invitae Variant Classification Sherloc (09022015). Collection method: clinical testing. Allele origin: germline.
Comment: This sequence change creates a premature translational stop signal (p.Ala211Glyfs*26) in the CDKN1C gene. It is expected to result in an absent or disrupted protein product. The frequency data for this variant in the population databases is considered unreliable, as metrics indicate insufficient coverage at this position in the ExAC database. This variant has not been reported in the literature in individuals with CDKN1C-related conditions. Loss-of-function variants in CDKN1C are known to be pathogenic (PMID: 20503313). For these reasons, this variant has been classified as Pathogenic.

Literature cited by the submitters: PubMed 20503313.

NM_001122630.2(CDKN1C):c.599_609del (p.Ala200fs)

Gene: CDKN1C (cyclin dependent kinase inhibitor 1C; minus strand). Cytogenetic location: 11p15.4.
Variant type: Deletion.
Coding change: c.599_609del on transcript NM_001122630.2 (MANE Select); coding-DNA positions 599 to 609, 11 bases deleted (CCCCGGCCCCG).
Protein change: p.Ala200fs; shifts the reading frame from alanine 200.
Molecular consequence: frameshift variant. On other transcripts: intron variant (1).
Genome position (GRCh38, 1-based): chr11:2,884,848-2,884,858, CGGGGCCGGGG deleted on the plus strand (CCCCGGCCCCG on the coding strand, the reverse complement: CDKN1C is on the minus strand); deleting any 11 consecutive bases within chr11:2,884,848-2,884,863 gives the same sequence; the c. name uses the placement nearest the transcript's 3' end. VCF-style (leftmost placement, unchanged base first): chr11-2884847-CCGGGGCCGGGG-C. GRCh37 (hg19) VCF-style: chr11-2906077-CCGGGGCCGGGG-C.
Other names: c.632_642del, p.Ala211fs (NM_000076.2, NM_001362474.2); c.599_609del, p.Ala200fs (NM_001122631.2); c.255+344_255+354del (NM_001362475.2); short protein forms A200fs, A211fs.
Identifiers: ClinVar variation 848031 (VCV000848031.7), dbSNP rs1848930692, ClinGen allele CA916081624.